The following is an entry in ClinVar:

ClinVar aggregate classification (germline): Likely benign. Review status: criteria provided, multiple submitters, no conflicts (2 of 4 stars). 2 submissions from 2 submitters: Likely benign (2). Last evaluated 2024-07-14.

Conditions:
Early-infantile DEE. Also called: Ohtahara syndrome; Early infantile epileptic encephalopathy; Early infantile epileptic encephalopathy with suppression bursts. Identifiers: Orphanet 1934, MedGen C0393706, MONDO:0800491.

Allele frequency attached by ClinVar (database versions not stated): ExAC 0.00001; gnomAD 0.00001; gnomAD exomes 0.00001; TOPMed 0.00001.
gnomAD v4.1: 11 of 1,613,748 alleles (0.00068%); highest among the groups gnomAD compares: East Asian, 0.0045%; no homozygotes.

Submissions (2):

Labcorp Genetics (formerly Invitae), Labcorp
Classification: Likely benign for Early-infantile DEE. Last evaluated: 2024-07-14. Review status: criteria provided, single submitter. Criteria: Invitae Variant Classification Sherloc (09022015). Collection method: clinical testing. Allele origin: germline.

CeGaT Center for Human Genetics Tuebingen
Classification: Likely benign. Last evaluated: 2023-12-01. Review status: criteria provided, single submitter. Criteria: CeGaT Center For Human Genetics Tuebingen Variant Classification Criteria Version 2. Collection method: clinical testing. Allele origin: germline. Affected: yes. Observed: 1 variant allele.
Comment: SCN1A: BP4, BP7

NM_001165963.4(SCN1A):c.5502G>A (p.Ala1834=)

Genes: SCN1A (sodium voltage-gated channel alpha subunit 1; minus strand), LOC102724058 (uncharacterized LOC102724058; plus strand). Cytogenetic location: 2q24.3.
Variant type: single nucleotide variant.
Coding change: c.5502G>A on transcript NM_001165963.4 (MANE Select); coding-DNA position 5502, G replaced by A.
Protein change: p.Ala1834=; no amino-acid change (alanine 1834 retained).
Molecular consequence: synonymous variant. On other transcripts: non-coding transcript variant (1).
Genome position (GRCh38, 1-based): chr2:165,991,773, C>T on the plus strand (G>A on the coding strand, the complement: SCN1A is on the minus strand). VCF-style: chr2-165991773-C-T. GRCh37 (hg19) VCF-style: chr2-166848283-C-T.
Other names: c.5418G>A, p.Ala1806= (NM_001165964.3, NM_001353957.2, NM_001353958.2); c.5502G>A, p.Ala1834= (NM_001202435.3, NM_001353948.2); c.5469G>A, p.Ala1823= (NM_001353949.2, NM_001353950.2, NM_001353951.2 and 2 more transcripts); c.5466G>A, p.Ala1822= (NM_001353954.2, NM_001353955.2); c.5415G>A, p.Ala1805= (NM_001353960.2); c.3060G>A, p.Ala1020= (NM_001353961.2).
Identifiers: ClinVar variation 1666466 (VCV001666466.31), dbSNP rs754566611, ClinGen allele CA1942669.
Genomic context (GRCh38, chr2:165,991,773, plus strand): 5'-CAAATCCATGGCAATGAGCTGGAGTTTGTTTGGTTGTGGCAGATTGAGAGGCGGTTCAAG[C>T]GCAGCTGCAAACTGAGATAATTTTTCAAATTCCATGAACTGAGTTGCATCGGGATCAAAC-3'
Protein context (NP_001159435.1, residues 1824-1844): EFEKLSQFAA[Ala1834=]LEPPLNLPQP